The following is an entry in ClinVar:

NM_020297.4(ABCC9):c.1164+6T>C

Gene: ABCC9 (ATP binding cassette subfamily C member 9; minus strand). Cytogenetic location: 12p12.1.
Variant type: single nucleotide variant.
Coding change: c.1164+6T>C on transcript NM_020297.4 (MANE Select); 6 bases into the intron after coding-DNA position 1164, T replaced by C.
Molecular consequence: intron variant.
Genome position (GRCh38, 1-based): chr12:21,910,820, A>G on the plus strand (T>C on the coding strand, the complement: ABCC9 is on the minus strand). VCF-style: chr12-21910820-A-G. GRCh37 (hg19) VCF-style: chr12-22063754-A-G.
Other names: c.300+6T>C (NM_001377274.1); c.1164+6T>C (NM_005691.4, NM_001377273.1).
Identifiers: ClinVar variation 2035968 (VCV002035968.4), dbSNP rs2541676184, ClinGen allele CA2580085285.

ClinVar aggregate classification (germline): Uncertain significance (1 of 4 stars; one submission).

Conditions:
Dilated cardiomyopathy 1O (CMD1O). Also called: CARDIOMYOPATHY, DILATED, WITH VENTRICULAR TACHYCARDIA. Identifiers: Orphanet 154, MedGen C1837839, MONDO:0012062, OMIM 608569.

Submission:

Labcorp Genetics (formerly Invitae), Labcorp
Classification: Uncertain significance for Dilated cardiomyopathy 1O. Last evaluated: 2022-10-21. Review status: criteria provided, single submitter. Criteria: Invitae Variant Classification Sherloc (09022015). Collection method: clinical testing. Allele origin: germline.
Comment: This sequence change falls in intron 7 of the ABCC9 gene. It does not directly change the encoded amino acid sequence of the ABCC9 protein. It affects a nucleotide within the consensus splice site. This variant is not present in population databases (gnomAD no frequency). This variant has not been reported in the literature in individuals affected with ABCC9-related conditions. Variants that disrupt the consensus splice site are a relatively common cause of aberrant splicing (PMID: 17576681, 9536098). Algorithms developed to predict the effect of sequence changes on RNA splicing suggest that this variant may disrupt the consensus splice site. In summary, the available evidence is currently insufficient to determine the role of this variant in disease. Therefore, it has been classified as a Variant of Uncertain Significance.

Literature cited by the submitters: PubMed 17576681; PubMed 9536098.